The following is an entry in ClinVar:

ClinVar aggregate classification (germline): Uncertain significance. Review status: criteria provided, multiple submitters, no conflicts (2 of 4 stars). 3 submissions from 3 submitters: Uncertain significance (3). Last evaluated 2024-08-10.

Conditions:
GRN-related frontotemporal lobar degeneration with Tdp43 inclusions (FTD2). Also called: DEMENTIA, HEREDITARY DYSPHASIC DISINHIBITION; FRONTOTEMPORAL LOBAR DEGENERATION WITH UBIQUITIN-POSITIVE INCLUSIONS; FTLD-TDP, GRN-RELATED; GRN Frontotemporal Dementia; FRONTOTEMPORAL DEMENTIA WITH TDP43 INCLUSIONS, GRN-RELATED. Identifiers: Orphanet 100070, Orphanet 282, MedGen C1843792, MONDO:0011842, OMIM 607485. Disease mechanism: loss of function.
Neuronal ceroid lipofuscinosis 11. Also called: GRN-Related Neuronal Ceroid-Lipofuscinosis. Identifiers: Orphanet 314629, Orphanet 79262, MedGen C3539123, MONDO:0013866, OMIM 614706.
Inborn genetic diseases. Identifiers: MedGen C0950123, MeSH D030342.

Allele frequency attached by ClinVar (database versions not stated): 1000 Genomes Project 30x 0.00016; 1000 Genomes Project 0.00020; gnomAD 0.00001; TOPMed 0.00001; ExAC 0.00002; gnomAD exomes 0.00002.
gnomAD v4.1: 8 of 1,614,006 alleles (0.0005%); highest among the groups gnomAD compares: East Asian, 0.011%; no homozygotes.

Submissions (3):

Ambry Genetics
Classification: Uncertain significance for Inborn genetic diseases. Last evaluated: 2024-08-10. Review status: criteria provided, single submitter. Criteria: Ambry Variant Classification Scheme 2023. Collection method: clinical testing. Allele origin: germline.

Labcorp Genetics (formerly Invitae), Labcorp
Classification: Uncertain significance for Neuronal ceroid lipofuscinosis 11; GRN-related frontotemporal lobar degeneration with Tdp43 inclusions. Last evaluated: 2021-09-25. Review status: criteria provided, single submitter. Criteria: Invitae Variant Classification Sherloc (09022015). Collection method: clinical testing. Allele origin: germline.
Comment: In summary, the available evidence is currently insufficient to determine the role of this variant in disease. Therefore, it has been classified as a Variant of Uncertain Significance. Algorithms developed to predict the effect of missense changes on protein structure and function are either unavailable or do not agree on the potential impact of this missense change (SIFT: "Tolerated"; PolyPhen-2: "Probably Damaging"; Align-GVGD: "Class C0"). This variant has not been reported in the literature in individuals affected with GRN-related conditions. This variant is present in population databases (rs542613543, ExAC 0.02%). This sequence change replaces cysteine with arginine at codon 20 of the GRN protein (p.Cys20Arg). The cysteine residue is moderately conserved and there is a large physicochemical difference between cysteine and arginine.

Fulgent Genetics
Classification: Uncertain significance for GRN-related frontotemporal lobar degeneration with Tdp43 inclusions; Neuronal ceroid lipofuscinosis 11. Last evaluated: 2021-09-01. Review status: criteria provided, single submitter. Criteria: ACMG Guidelines, 2015. Collection method: clinical testing. Allele origin: unknown.

NM_002087.4(GRN):c.58T>C (p.Cys20Arg)

Gene: GRN (granulin precursor; plus strand). Cytogenetic location: 17q21.31.
Variant type: single nucleotide variant.
Coding change: c.58T>C on transcript NM_002087.4 (MANE Select); coding-DNA position 58, T replaced by C.
Protein change: p.Cys20Arg; replaces cysteine 20 with arginine.
Molecular consequence: missense variant.
Genome position (GRCh38, 1-based): chr17:44,349,222, T>C. VCF-style: chr17-44349222-T-C. GRCh37 (hg19) VCF-style: chr17-42426590-T-C.
Other names: c.58T>C (NM_002087.2); short protein forms C20R.
Identifiers: ClinVar variation 1019148 (VCV001019148.9), dbSNP rs542613543, ClinGen allele CA8601739.